The following is an entry in ClinVar:

ClinVar aggregate classification (germline): Uncertain significance (1 of 4 stars; one submission).

Submission:

Ambry Genetics
Classification: Uncertain significance. Last evaluated: 2023-05-21. Review status: criteria provided, single submitter. Criteria: Ambry Variant Classification Scheme 2023. Collection method: clinical testing. Allele origin: germline.
Comment: The p.G1226V variant (also known as c.3677G>T), located in coding exon 31 of the PRKDC gene, results from a G to T substitution at nucleotide position 3677. The glycine at codon 1226 is replaced by valine, an amino acid with dissimilar properties. This amino acid position is conserved. In addition, the in silico prediction for this alteration is inconclusive. Since supporting evidence is limited at this time, the clinical significance of this alteration remains unclear.

NM_006904.7(PRKDC):c.3677G>T (p.Gly1226Val)

Gene: PRKDC (protein kinase, DNA-activated, catalytic subunit; minus strand). Cytogenetic location: 8q11.21.
Variant type: single nucleotide variant.
Coding change: c.3677G>T on transcript NM_006904.7 (MANE Select); coding-DNA position 3677, G replaced by T.
Protein change: p.Gly1226Val; replaces glycine 1226 with valine.
Molecular consequence: missense variant.
Genome position (GRCh38, 1-based): chr8:47,893,309, C>A on the plus strand (G>T on the coding strand, the complement: PRKDC is on the minus strand). VCF-style: chr8-47893309-C-A. GRCh37 (hg19) VCF-style: chr8-48805869-C-A.
Other names: c.3677G>T, p.Gly1226Val (NM_001081640.2); short protein forms G1226V.
Identifiers: ClinVar variation 2561898 (VCV002561898.2), dbSNP rs1168875123, ClinGen allele CA371150807.